The following is an entry in ClinVar:

ClinVar aggregate classification (germline): Uncertain significance. Review status: criteria provided, multiple submitters, no conflicts (2 of 4 stars). 2 submissions from 2 submitters: Uncertain significance (2). Last evaluated 2024-05-24.

Conditions:
Autosomal dominant osteopetrosis 1 (OPTA1). Also called: OSTEOPETROSIS, AUTOSOMAL DOMINANT, TYPE I. Identifiers: Orphanet 2783, MedGen C1843330, MONDO:0011877, OMIM 607634.
Bone mineral density quantitative trait locus 1 (BMND1). Identifiers: MedGen C1866079, OMIM 601884.
Worth disease. Also called: ENDOSTEAL HYPEROSTOSIS, AUTOSOMAL DOMINANT; OSTEOSCLEROSIS, AUTOSOMAL DOMINANT; Autosomal dominant osteosclerosis, Worth type. Identifiers: Orphanet 2790, MedGen C0432273, MONDO:0007764, OMIM 144750.
Osteoporosis with pseudoglioma (OPPG). Also called: osteoporosis-pseudoglioma syndrome. Identifiers: Orphanet 2788, MedGen C0432252, MONDO:0009820, OMIM 259770.
Polycystic liver disease 4 with or without kidney cysts. Identifiers: MedGen C4693479, MONDO:0044327, OMIM 617875.
Exudative vitreoretinopathy 4 (EVR4). Identifiers: Orphanet 891, MedGen C1866176, MONDO:0011151, OMIM 601813.

Allele frequency attached by ClinVar (database versions not stated): gnomAD 0.00001; gnomAD exomes 0.00001; ExAC 0.00002; TOPMed 0.00002.
gnomAD v4.1: 17 of 1,613,396 alleles (0.0011%); highest among the groups gnomAD compares: East Asian, 0.0045%; no homozygotes.

Submissions (2):

Fulgent Genetics
Classification: Uncertain significance for Worth disease; Osteoporosis with pseudoglioma; Exudative vitreoretinopathy 4; Bone mineral density quantitative trait locus 1; Autosomal dominant osteopetrosis 1; Polycystic liver disease 4 with or without kidney cysts. Last evaluated: 2024-05-24. Review status: criteria provided, single submitter. Criteria: ACMG Guidelines, 2015. Collection method: clinical testing. Allele origin: germline.

Labcorp Genetics (formerly Invitae), Labcorp
Classification: Uncertain significance. Last evaluated: 2023-08-28. Review status: criteria provided, single submitter. Criteria: Invitae Variant Classification Sherloc (09022015). Collection method: clinical testing. Allele origin: germline.
Comment: This sequence change replaces aspartic acid, which is acidic and polar, with asparagine, which is neutral and polar, at codon 872 of the LRP5 protein (p.Asp872Asn). This variant is present in population databases (rs747416148, gnomAD 0.01%). This variant has not been reported in the literature in individuals affected with LRP5-related conditions. ClinVar contains an entry for this variant (Variation ID: 1953617). Advanced modeling of protein sequence and biophysical properties (such as structural, functional, and spatial information, amino acid conservation, physicochemical variation, residue mobility, and thermodynamic stability) performed at Invitae indicates that this missense variant is not expected to disrupt LRP5 protein function. In summary, the available evidence is currently insufficient to determine the role of this variant in disease. Therefore, it has been classified as a Variant of Uncertain Significance.

NM_002335.4(LRP5):c.2614G>A (p.Asp872Asn)

Gene: LRP5 (LDL receptor related protein 5; plus strand). Cytogenetic location: 11q13.2.
Variant type: single nucleotide variant.
Coding change: c.2614G>A on transcript NM_002335.4 (MANE Select); coding-DNA position 2614, G replaced by A.
Protein change: p.Asp872Asn; replaces aspartic acid 872 with asparagine.
Molecular consequence: missense variant.
Genome position (GRCh38, 1-based): chr11:68,413,799, G>A. VCF-style: chr11-68413799-G-A. GRCh37 (hg19) VCF-style: chr11-68181267-G-A.
Other names: c.871G>A, p.Asp291Asn (NM_001291902.2); short protein forms D291N, D872N.
Identifiers: ClinVar variation 1953617 (VCV001953617.6), dbSNP rs747416148, ClinGen allele CA6149700.